The following is an entry in ClinVar:

ClinVar aggregate classification (germline): Uncertain significance (1 of 4 stars; one submission).

Submission:

Labcorp Genetics (formerly Invitae), Labcorp
Classification: Uncertain significance. Last evaluated: 2024-08-07. Review status: criteria provided, single submitter. Criteria: Invitae Variant Classification Sherloc (09022015). Collection method: clinical testing. Allele origin: germline.
Comment: This sequence change replaces methionine, which is neutral and non-polar, with threonine, which is neutral and polar, at codon 133 of the OR2W3 protein (p.Met133Thr). This variant is not present in population databases (gnomAD no frequency). This variant has not been reported in the literature in individuals affected with OR2W3-related conditions. An algorithm developed to predict the effect of missense changes on protein structure and function outputs the following: PolyPhen-2: "Benign". The threonine amino acid residue is found in multiple mammalian species, which suggests that this missense change does not adversely affect protein function. In summary, the available evidence is currently insufficient to determine the role of this variant in disease. Therefore, it has been classified as a Variant of Uncertain Significance.

NM_001001957.2(OR2W3):c.398T>C (p.Met133Thr)

Gene: OR2W3 (olfactory receptor family 2 subfamily W member 3; plus strand). Cytogenetic location: 1q44.
Variant type: single nucleotide variant.
Coding change: c.398T>C on transcript NM_001001957.2 (MANE Select); coding-DNA position 398, T replaced by C.
Protein change: p.Met133Thr; replaces methionine 133 with threonine.
Molecular consequence: missense variant.
Genome position (GRCh38, 1-based): chr1:247,895,984, T>C. VCF-style: chr1-247895984-T-C. GRCh37 (hg19) VCF-style: chr1-248059286-T-C.
Other names: short protein forms M133T.
Identifiers: ClinVar variation 3680523 (VCV003680523.2).